The following is an entry in ClinVar:

NM_173354.5(SIK1):c.1820G>A (p.Gly607Glu)

Gene: SIK1 (salt inducible kinase 1; minus strand). Cytogenetic location: 21q22.3.
Variant type: single nucleotide variant.
Coding change: c.1820G>A on transcript NM_173354.5 (MANE Select); coding-DNA position 1820, G replaced by A.
Protein change: p.Gly607Glu; replaces glycine 607 with glutamic acid.
Molecular consequence: missense variant.
Genome position (GRCh38, 1-based): chr21:43,417,699, C>T on the plus strand (G>A on the coding strand, the complement: SIK1 is on the minus strand). VCF-style: chr21-43417699-C-T. GRCh37 (hg19) VCF-style: chr21-44837579-C-T.
Other names: short protein forms G607E.
Identifiers: ClinVar variation 1780759 (VCV001780759.2), dbSNP rs1247630650, ClinGen allele CA410607224.
Genomic context (GRCh38, chr21:43,417,699, plus strand): 5'-GGGCTCAGGCCGCCCCTGCTGGCCCGGCTGGCGGGGGCCTGGCACACCTGGCGAGCCAGC[C>T]CCTTGATTTTGTTCAGTCCCAGAAACCCTTTGGTCCGCGTGGTCTTCCTCAGCTGCTGCC-3'
Protein context (NP_775490.2, residues 597-617): KGFLGLNKIK[Gly607Glu]LARQVCQAPA

ClinVar aggregate classification (germline): Uncertain significance (1 of 4 stars; one submission).

Conditions:
Inborn genetic diseases. Identifiers: MedGen C0950123, MeSH D030342.

Submission:

Ambry Genetics
Classification: Uncertain significance for Inborn genetic diseases. Last evaluated: 2018-07-10. Review status: criteria provided, single submitter. Criteria: Ambry Variant Classification Scheme 2023. Collection method: clinical testing. Allele origin: germline.
Comment: The p.G607E variant (also known as c.1820G>A), located in coding exon 12 of the SIK1 gene, results from a G to A substitution at nucleotide position 1820. The glycine at codon 607 is replaced by glutamic acid, an amino acid with similar properties. This amino acid position is highly conserved in available vertebrate species. In addition, the in silico prediction for this alteration is inconclusive. Since supporting evidence is limited at this time, the clinical significance of this alteration remains unclear.